The following is an entry in ClinVar:

NM_000553.6(WRN):c.4256A>C (p.Lys1419Thr)

Genes: WRN (WRN RecQ like helicase; plus strand), LOC126860342 (MED14-independent group 3 enhancer GRCh37_chr8:31029565-31030764; plus strand). Cytogenetic location: 8p12.
Variant type: single nucleotide variant.
Coding change: c.4256A>C on transcript NM_000553.6 (MANE Select); coding-DNA position 4256, A replaced by C.
Protein change: p.Lys1419Thr; replaces lysine 1419 with threonine.
Molecular consequence: missense variant.
Genome position (GRCh38, 1-based): chr8:31,173,059, A>C. VCF-style: chr8-31173059-A-C. GRCh37 (hg19) VCF-style: chr8-31030575-A-C.
Other names: short protein forms K1419T.
Identifiers: ClinVar variation 458481 (VCV000458481.8), dbSNP rs771261660, ClinGen allele CA4705308.

ClinVar aggregate classification (germline): Uncertain significance (1 of 4 stars; one submission).

Conditions:
Werner syndrome (WRN). Identifiers: Orphanet 902, MedGen C0043119, MONDO:0010196, OMIM 277700.

Allele frequency attached by ClinVar (database versions not stated): ExAC 0.00001; gnomAD exomes 0.00001.
gnomAD v4.1: 4 of 1,614,082 alleles (0.00025%); highest among the groups gnomAD compares: Non-Finnish European, 0.00034%; no homozygotes.

Submission:

Labcorp Genetics (formerly Invitae), Labcorp
Classification: Uncertain significance for Werner syndrome. Last evaluated: 2023-09-30. Review status: criteria provided, single submitter. Criteria: Invitae Variant Classification Sherloc (09022015). Collection method: clinical testing. Allele origin: germline.
Comment: This sequence change replaces lysine, which is basic and polar, with threonine, which is neutral and polar, at codon 1419 of the WRN protein (p.Lys1419Thr). This variant is present in population databases (rs771261660, gnomAD 0.002%). This variant has not been reported in the literature in individuals affected with WRN-related conditions. ClinVar contains an entry for this variant (Variation ID: 458481). An algorithm developed to predict the effect of missense changes on protein structure and function (PolyPhen-2) suggests that this variant is likely to be tolerated. In summary, the available evidence is currently insufficient to determine the role of this variant in disease. Therefore, it has been classified as a Variant of Uncertain Significance.